The following is an entry in ClinVar:

ClinVar aggregate classification (germline): Uncertain significance (1 of 4 stars; one submission).

Conditions:
X-linked lymphoproliferative disease due to SH2D1A deficiency (XLP1). Also called: EBV infection severe susceptibility to; Epstein Barr virus infection familial fatal; Duncan's syndrome; DUNCAN DISEASE; IMMUNODEFICIENCY 5; IMMUNODEFICIENCY, X-LINKED PROGRESSIVE COMBINED VARIABLE. Identifiers: Orphanet 2442, Orphanet 538931, MedGen C5399825, MONDO:0024551, OMIM 308240.

Submission:

Labcorp Genetics (formerly Invitae), Labcorp
Classification: Uncertain significance for X-linked lymphoproliferative disease due to SH2D1A deficiency. Last evaluated: 2023-06-09. Review status: criteria provided, single submitter. Criteria: Invitae Variant Classification Sherloc (09022015). Collection method: clinical testing. Allele origin: germline.
Comment: This sequence change replaces glycine, which is neutral and non-polar, with valine, which is neutral and non-polar, at codon 39 of the SH2D1A protein (p.Gly39Val). This variant is not present in population databases (gnomAD no frequency). This missense change has been observed in individuals with clinical features of X-linked lymphoproliferative disease (PMID: 10898506; Invitae). It has also been observed to segregate with disease in related individuals. ClinVar contains an entry for this variant (Variation ID: 536456). An algorithm developed to predict the effect of missense changes on protein structure and function (PolyPhen-2) suggests that this variant is likely to be disruptive. In summary, the available evidence is currently insufficient to determine the role of this variant in disease. Therefore, it has been classified as a Variant of Uncertain Significance.

Literature cited by the submitters: PubMed 10898506.

NM_002351.5(SH2D1A):c.116G>T (p.Gly39Val)

Gene: SH2D1A (SH2 domain containing 1A; plus strand). Cytogenetic location: Xq25.
Variant type: single nucleotide variant.
Coding change: c.116G>T on transcript NM_002351.5 (MANE Select); coding-DNA position 116, G replaced by T.
Protein change: p.Gly39Val; replaces glycine 39 with valine.
Molecular consequence: missense variant.
Genome position (GRCh38, 1-based): chrX:124,346,758, G>T. VCF-style: chrX-124346758-G-T. GRCh37 (hg19) VCF-style: chrX-123480608-G-T.
Other names: c.116G>T, p.Gly39Val (NM_001114937.3); short protein forms G39V.
Identifiers: ClinVar variation 536456 (VCV000536456.10), dbSNP rs1556619338, ClinGen allele CA414122418.
Genomic context (GRCh38, chrX:124,346,758, plus strand): 5'-TCCTGCTTGCCACTGGGCTGGATGGCAGCTATTTGCTGAGGGACAGCGAGAGCGTGCCAG[G>T]CGTGTACTGCCTATGTGTGCTGTGAGTATGATACGGTGGACATGGGCCTGCTGAGGGTGT-3'
Protein context (NP_002342.1, residues 29-49): YLLRDSESVP[Gly39Val]VYCLCVLYHG